The following is an entry in ClinVar:

NM_001367823.1(ARHGEF18):c.2371G>A (p.Glu791Lys)

Gene: ARHGEF18 (Rho/Rac guanine nucleotide exchange factor 18; plus strand). Cytogenetic location: 19p13.2.
Variant type: single nucleotide variant.
Coding change: c.2371G>A on transcript NM_001367823.1 (MANE Select); coding-DNA position 2371, G replaced by A.
Protein change: p.Glu791Lys; replaces glutamic acid 791 with lysine.
Molecular consequence: missense variant.
Genome position (GRCh38, 1-based): chr19:7,459,913, G>A. VCF-style: chr19-7459913-G-A. GRCh37 (hg19) VCF-style: chr19-7524799-G-A.
Other names: c.1645G>A, p.Glu549Lys (NM_001130955.2); c.1333G>A, p.Glu445Lys (NM_001367824.1, NM_015318.4); short protein forms E549K, E791K, E445K.
Identifiers: ClinVar variation 1997969 (VCV001997969.4), dbSNP rs768741771, ClinGen allele CA9136816.

ClinVar aggregate classification (germline): Uncertain significance (1 of 4 stars; one submission).

Allele frequency attached by ClinVar (database versions not stated): gnomAD exomes below 0.00001; TOPMed below 0.00001; gnomAD 0.00001.
gnomAD v4.1: 5 of 1,579,200 alleles (0.00032%); highest among the groups gnomAD compares: Admixed American, 0.0036%; no homozygotes.

Submission:

Labcorp Genetics (formerly Invitae), Labcorp
Classification: Uncertain significance. Last evaluated: 2022-05-23. Review status: criteria provided, single submitter. Criteria: Invitae Variant Classification Sherloc (09022015). Collection method: clinical testing. Allele origin: germline.
Comment: In summary, the available evidence is currently insufficient to determine the role of this variant in disease. Therefore, it has been classified as a Variant of Uncertain Significance. Algorithms developed to predict the effect of missense changes on protein structure and function (SIFT, PolyPhen-2, Align-GVGD) all suggest that this variant is likely to be tolerated. This variant has not been reported in the literature in individuals affected with ARHGEF18-related conditions. The frequency data for this variant in the population databases is considered unreliable, as metrics indicate poor data quality at this position in the gnomAD database. This sequence change replaces glutamic acid, which is acidic and polar, with lysine, which is basic and polar, at codon 603 of the ARHGEF18 protein (p.Glu603Lys).